The following is an entry in ClinVar:

NM_000321.3(RB1):c.1471C>G (p.Leu491Val)

Gene: RB1 (RB transcriptional corepressor 1; plus strand). Cytogenetic location: 13q14.2.
Variant type: single nucleotide variant.
Coding change: c.1471C>G on transcript NM_000321.3 (MANE Select); coding-DNA position 1471, C replaced by G.
Protein change: p.Leu491Val; replaces leucine 491 with valine.
Molecular consequence: missense variant.
Genome position (GRCh38, 1-based): chr13:48,380,214, C>G. VCF-style: chr13-48380214-C-G. GRCh37 (hg19) VCF-style: chr13-48954350-C-G.
Other names: c.1471C>G, p.Leu491Val (NM_001407165.1, NM_001407166.1); short protein forms L491V.
Identifiers: ClinVar variation 5027952 (VCV005027952.1).

ClinVar aggregate classification (germline): Uncertain significance (1 of 4 stars; one submission).

Conditions:
Hereditary cancer-predisposing syndrome. Also called: Neoplastic Syndromes, Hereditary; Tumor predisposition; Hereditary neoplastic syndrome; Hereditary Cancer Syndrome. Identifiers: Orphanet 140162, MedGen C0027672, MeSH D009386, MONDO:0015356.

Submission:

Ambry Genetics
Classification: Uncertain significance for Hereditary cancer-predisposing syndrome. Last evaluated: 2026-07-07. Review status: criteria provided, single submitter. Criteria: Ambry Variant Classification Scheme 2023. Collection method: clinical testing. Allele origin: germline.
Comment: The p.L491V variant (also known as c.1471C>G), located in coding exon 16 of the RB1 gene, results from a C to G substitution at nucleotide position 1471. The leucine at codon 491 is replaced by valine, an amino acid with highly similar properties. This amino acid position is conserved. In addition, this alteration is predicted to be tolerated by in silico analysis. Based on the available evidence, the clinical significance of this variant remains unclear.